The following is an entry in ClinVar:

NM_020778.5(ALPK3):c.5042C>T (p.Ser1681Leu)

Gene: ALPK3 (alpha kinase 3; plus strand). Cytogenetic location: 15q25.3.
Variant type: single nucleotide variant.
Coding change: c.5042C>T on transcript NM_020778.5 (MANE Select); coding-DNA position 5042, C replaced by T.
Protein change: p.Ser1681Leu; replaces serine 1681 with leucine.
Molecular consequence: missense variant.
Genome position (GRCh38, 1-based): chr15:84,868,380, C>T. VCF-style: chr15-84868380-C-T. GRCh37 (hg19) VCF-style: chr15-85411611-C-T.
Other names: c.5648C>T (NM_020778.4); short protein forms S1681L.
Identifiers: ClinVar variation 2069272 (VCV002069272.5), dbSNP rs1178909534, ClinGen allele CA393366305.

ClinVar aggregate classification (germline): Uncertain significance. Review status: criteria provided, multiple submitters, no conflicts (2 of 4 stars). 2 submissions from 2 submitters: Uncertain significance (2). Last evaluated 2026-08-22.

Conditions:
Cardiovascular phenotype. Identifiers: MedGen CN230736.

Allele frequency attached by ClinVar (database versions not stated): TOPMed below 0.00001; gnomAD 0.00001; gnomAD exomes 0.00001.
gnomAD v4.1: 7 of 1,613,718 alleles (0.00043%); highest among the groups gnomAD compares: Non-Finnish European, 0.00059%; no homozygotes.

Submissions (2):

Ambry Genetics
Classification: Uncertain significance for Cardiovascular phenotype. Last evaluated: 2026-08-22. Review status: criteria provided, single submitter. Criteria: Ambry Variant Classification Scheme 2023. Collection method: clinical testing. Allele origin: germline.
Comment: The p.S1883L variant (also known as c.5648C>T), located in coding exon 14 of the ALPK3 gene, results from a C to T substitution at nucleotide position 5648. The serine at codon 1883 is replaced by leucine, an amino acid with dissimilar properties. This amino acid position is conserved. In addition, this alteration is predicted to be tolerated by in silico analysis. Based on the available evidence, the clinical significance of this variant remains unclear.

Labcorp Genetics (formerly Invitae), Labcorp
Classification: Uncertain significance. Last evaluated: 2025-04-10. Review status: criteria provided, single submitter. Criteria: Invitae Variant Classification Sherloc (09022015). Collection method: clinical testing. Allele origin: germline.
Comment: This sequence change replaces serine, which is neutral and polar, with leucine, which is neutral and non-polar, at codon 1883 of the ALPK3 protein (p.Ser1883Leu). This variant is present in population databases (no rsID available, gnomAD 0.004%). This variant has not been reported in the literature in individuals affected with ALPK3-related conditions. ClinVar contains an entry for this variant (Variation ID: 2069272). Invitae Evidence Modeling of protein sequence and biophysical properties (such as structural, functional, and spatial information, amino acid conservation, physicochemical variation, residue mobility, and thermodynamic stability) indicates that this missense variant is expected to disrupt ALPK3 protein function with a positive predictive value of 80%. In summary, the available evidence is currently insufficient to determine the role of this variant in disease. Therefore, it has been classified as a Variant of Uncertain Significance.